The following is an entry in ClinVar:

ClinVar aggregate classification (germline): Uncertain significance (1 of 4 stars; one submission).

Conditions:
Familial thoracic aortic aneurysm and aortic dissection (TAAD). Also called: Thoracic aortic aneurysms and dissections. Identifiers: Orphanet 91387, MedGen C4707243, MONDO:0019625.

Submission:

Ambry Genetics
Classification: Uncertain significance for Familial thoracic aortic aneurysm and aortic dissection. Last evaluated: 2024-01-11. Review status: criteria provided, single submitter. Criteria: Ambry Variant Classification Scheme 2023. Collection method: clinical testing. Allele origin: germline.
Comment: The p.A816D variant (also known as c.2447C>A), located in coding exon 14 of the MYLK gene, results from a C to A substitution at nucleotide position 2447. The alanine at codon 816 is replaced by aspartic acid, an amino acid with dissimilar properties. This amino acid position is conserved. In addition, this alteration is predicted to be tolerated by in silico analysis. Since supporting evidence is limited at this time, the clinical significance of this alteration remains unclear.

NM_053025.4(MYLK):c.2447C>A (p.Ala816Asp)

Gene: MYLK (myosin light chain kinase; minus strand). Cytogenetic location: 3q21.1.
Variant type: single nucleotide variant.
Coding change: c.2447C>A on transcript NM_053025.4 (MANE Select); coding-DNA position 2447, C replaced by A.
Protein change: p.Ala816Asp; replaces alanine 816 with aspartic acid.
Molecular consequence: missense variant.
Genome position (GRCh38, 1-based): chr3:123,701,453, G>T on the plus strand (C>A on the coding strand, the complement: MYLK is on the minus strand). VCF-style: chr3-123701453-G-T. GRCh37 (hg19) VCF-style: chr3-123420300-G-T.
Other names: c.1919C>A, p.Ala640Asp (NM_001321309.2); c.2240C>A, p.Ala747Asp (NM_053026.4, NM_053028.4); c.2447C>A, p.Ala816Asp (NM_053027.4); short protein forms A640D, A747D, A816D.
Identifiers: ClinVar variation 3228900 (VCV003228900.1), dbSNP rs2474202823, ClinGen allele CA354232645.